The following is an entry in ClinVar:

ClinVar aggregate classification (germline): Uncertain significance (1 of 4 stars; one submission).

Conditions:
Transcobalamin I deficiency (TCN1D). Also called: TCN1 DEFICIENCY; COBALAMIN PSEUDODEFICIENCY DUE TO TRANSCOBALAMIN DEFICIENCY; COBALAMIN R BINDER PROTEIN DEFICIENCY. Identifiers: Orphanet 2967, MedGen C0342700, MONDO:0008659, OMIM 193090.

gnomAD v4.1: 3 of 1,614,086 alleles (0.00019%); highest among the groups gnomAD compares: Admixed American, 0.005%; no homozygotes.

Submission:

Labcorp Genetics (formerly Invitae), Labcorp
Classification: Uncertain significance for Transcobalamin I deficiency. Last evaluated: 2019-12-11. Review status: criteria provided, single submitter. Criteria: Invitae Variant Classification Sherloc (09022015). Collection method: clinical testing. Allele origin: germline.
Comment: This sequence change replaces serine with alanine at codon 332 of the TCN1 protein (p.Ser332Ala). The serine residue is moderately conserved and there is a moderate physicochemical difference between serine and alanine. This variant is not present in population databases (ExAC no frequency). This variant has not been reported in the literature in individuals with TCN1-related conditions. Algorithms developed to predict the effect of missense changes on protein structure and function (SIFT, PolyPhen-2, Align-GVGD) all suggest that this variant is likely to be tolerated, but these predictions have not been confirmed by published functional studies and their clinical significance is uncertain. Algorithms developed to predict the effect of sequence changes on RNA splicing suggest that this variant may create or strengthen a splice site, but this prediction has not been confirmed by published transcriptional studies. In summary, the available evidence is currently insufficient to determine the role of this variant in disease. Therefore, it has been classified as a Variant of Uncertain Significance.

NM_001062.4(TCN1):c.994T>G (p.Ser332Ala)

Gene: TCN1 (transcobalamin 1; minus strand). Cytogenetic location: 11q12.1.
Variant type: single nucleotide variant.
Coding change: c.994T>G on transcript NM_001062.4 (MANE Select); coding-DNA position 994, T replaced by G.
Protein change: p.Ser332Ala; replaces serine 332 with alanine.
Molecular consequence: missense variant.
Genome position (GRCh38, 1-based): chr11:59,854,779, A>C on the plus strand (T>G on the coding strand, the complement: TCN1 is on the minus strand). VCF-style: chr11-59854779-A-C. GRCh37 (hg19) VCF-style: chr11-59622252-A-C.
Other names: short protein forms S332A.
Identifiers: ClinVar variation 848440 (VCV000848440.9), dbSNP rs1852912432, ClinGen allele CA380806323.